The following is an entry in ClinVar:

ClinVar aggregate classification (germline): Benign/Likely benign. Review status: criteria provided, multiple submitters, no conflicts (2 of 4 stars). 3 submissions from 3 submitters: Benign (2); Likely benign (1). Last evaluated 2022-11-01.

Allele frequency attached by ClinVar (database versions not stated): 1000 Genomes Project 0.00180; 1000 Genomes Project 30x 0.00219; gnomAD exomes 0.00387 and 0.00664; ExAC 0.00398; TOPMed 0.00414; gnomAD 0.00435 and 0.00454; ESP Exome Variant Server 0.00485.
gnomAD v4.1: 10,175 of 1,614,084 alleles (0.63%); highest among the groups gnomAD compares: Non-Finnish European, 0.82%; 48 homozygotes.

Submissions (3):

CeGaT Center for Human Genetics Tuebingen
Classification: Likely benign. Last evaluated: 2022-11-01. Review status: criteria provided, single submitter. Criteria: CeGaT Center For Human Genetics Tuebingen Variant Classification Criteria Version 2. Collection method: clinical testing. Allele origin: germline. Affected: yes. Observed: 1 variant allele.
Comment: NPAS4: BP4, BS2

Labcorp Genetics (formerly Invitae), Labcorp
Classification: Benign. Last evaluated: 2018-09-12. Review status: criteria provided, single submitter. Criteria: Invitae Variant Classification Sherloc (09022015). Collection method: clinical testing. Allele origin: germline.

Breakthrough Genomics
Classification: Benign. Review status: criteria provided, single submitter. Criteria: ACMG Guidelines, 2015. Collection method: not provided. Allele origin: germline. Inheritance: Unknown mechanism. Affected: yes.

NM_178864.4(NPAS4):c.1498C>A (p.Gln500Lys)

Gene: NPAS4 (neuronal PAS domain protein 4; plus strand). Cytogenetic location: 11q13.2.
Variant type: single nucleotide variant.
Coding change: c.1498C>A on transcript NM_178864.4 (MANE Select); coding-DNA position 1498, C replaced by A.
Protein change: p.Gln500Lys; replaces glutamine 500 with lysine.
Molecular consequence: missense variant.
Genome position (GRCh38, 1-based): chr11:66,424,388, C>A. VCF-style: chr11-66424388-C-A. GRCh37 (hg19) VCF-style: chr11-66191859-C-A.
Other names: c.868C>A, p.Gln290Lys (NM_001318804.1); short protein forms Q290K, Q500K.
Identifiers: ClinVar variation 707951 (VCV000707951.28), dbSNP rs71457718, ClinGen allele CA6121546.
Genomic context (GRCh38, chr11:66,424,388, plus strand): 5'-CCACTAACTAGCCCACTGCAAGGCCAGTTGACTGAAACCTCGGTCAGAAGCTATGAAGAC[C>A]AGTTGACTCCCTGCACCTCCACCTTCCCAGACCAGCTGCTTCCCAGCACAGCCACCTTCC-3'
Protein context (NP_849195.2, residues 490-510): TETSVRSYED[Gln500Lys]LTPCTSTFPD